The following is an entry in ClinVar:

ClinVar aggregate classification (germline): Uncertain significance. Review status: criteria provided, multiple submitters, no conflicts (2 of 4 stars). 2 submissions from 2 submitters: Uncertain significance (2). Last evaluated 2024-08-05.

Conditions:
Hereditary cancer-predisposing syndrome. Also called: Hereditary Cancer Syndrome; Hereditary neoplastic syndrome; Tumor predisposition; Neoplastic Syndromes, Hereditary. Identifiers: Orphanet 140162, MedGen C0027672, MeSH D009386, MONDO:0015356.

Submissions (2):

Ambry Genetics
Classification: Uncertain significance for Hereditary cancer-predisposing syndrome. Last evaluated: 2024-08-05. Review status: criteria provided, single submitter. Criteria: Ambry Variant Classification Scheme 2023. Collection method: clinical testing. Allele origin: germline.
Comment: The p.R94L variant (also known as c.281G>T), located in coding exon 1 of the HOXB13 gene, results from a G to T substitution at nucleotide position 281. The arginine at codon 94 is replaced by leucine, an amino acid with dissimilar properties. This amino acid position is conserved. In addition, the in silico prediction for this alteration is inconclusive. Based on the available evidence, the clinical significance of this variant remains unclear.

Labcorp Genetics (formerly Invitae), Labcorp
Classification: Uncertain significance. Last evaluated: 2024-05-26. Review status: criteria provided, single submitter. Criteria: Invitae Variant Classification Sherloc (09022015). Collection method: clinical testing. Allele origin: germline.
Comment: This sequence change replaces arginine, which is basic and polar, with leucine, which is neutral and non-polar, at codon 94 of the HOXB13 protein (p.Arg94Leu). This variant is not present in population databases (gnomAD no frequency). This variant has not been reported in the literature in individuals affected with HOXB13-related conditions. Advanced modeling of protein sequence and biophysical properties (such as structural, functional, and spatial information, amino acid conservation, physicochemical variation, residue mobility, and thermodynamic stability) performed at Invitae indicates that this missense variant is not expected to disrupt HOXB13 protein function with a negative predictive value of 80%. In summary, the available evidence is currently insufficient to determine the role of this variant in disease. Therefore, it has been classified as a Variant of Uncertain Significance.

NM_006361.6(HOXB13):c.281G>T (p.Arg94Leu)

Gene: HOXB13 (homeobox B13; minus strand). Cytogenetic location: 17q21.32.
Variant type: single nucleotide variant.
Coding change: c.281G>T on transcript NM_006361.6 (MANE Select); coding-DNA position 281, G replaced by T.
Protein change: p.Arg94Leu; replaces arginine 94 with leucine.
Molecular consequence: missense variant.
Genome position (GRCh38, 1-based): chr17:48,728,313, C>A on the plus strand (G>T on the coding strand, the complement: HOXB13 is on the minus strand). VCF-style: chr17-48728313-C-A. GRCh37 (hg19) VCF-style: chr17-46805675-C-A.
Other names: short protein forms R94L.
Identifiers: ClinVar variation 3526285 (VCV003526285.3).